The following is an entry in ClinVar:

NM_206933.4(USH2A):c.1058C>G (p.Ser353Ter)

Gene: USH2A (usherin; minus strand). Cytogenetic location: 1q41.
Variant type: single nucleotide variant.
Coding change: c.1058C>G on transcript NM_206933.4 (MANE Select); coding-DNA position 1058, C replaced by G.
Protein change: p.Ser353Ter; replaces serine 353 with a stop codon.
Molecular consequence: nonsense.
Genome position (GRCh38, 1-based): chr1:216,325,390, G>C on the plus strand (C>G on the coding strand, the complement: USH2A is on the minus strand). VCF-style: chr1-216325390-G-C. GRCh37 (hg19) VCF-style: chr1-216498732-G-C.
Other names: c.1058C>G, p.Ser353Ter (NM_007123.6); short protein forms S353*.
Identifiers: ClinVar variation 4086495 (VCV004086495.1).
Genomic context (GRCh38, chr1:216,325,390, plus strand): 5'-ACTGAAATAGTCACTCCTTGATTAAGCTGTGTAATGTTTGTAAACACATTTGAAACCCAT[G>C]AAGTACCAACATCATTATCATTGACAAAAGAGAGAGGATGGGCTTCAGGATTCAACCGTG-3'

ClinVar aggregate classification (germline): Pathogenic (1 of 4 stars; one submission).

Submission:

GeneDx
Classification: Pathogenic. Last evaluated: 2025-03-19. Review status: criteria provided, single submitter. Criteria: GeneDx Variant Classification Process June 2021. Collection method: clinical testing. Allele origin: germline. Affected: yes.
Comment: Reported previously in an unaffected carrier; however, no further information was provided (PMID: 31964843); Nonsense variant predicted to result in protein truncation or nonsense mediated decay in a gene for which loss of function is a known mechanism of disease; Not observed at significant frequency in large population cohorts (gnomAD); This variant is associated with the following publications: (PMID: 31964843)